The following is an entry in ClinVar:

NM_002063.4(GLRA2):c.496C>G (p.Leu166Val)

Gene: GLRA2 (glycine receptor alpha 2; plus strand). Cytogenetic location: Xp22.2.
Variant type: single nucleotide variant.
Coding change: c.496C>G on transcript NM_002063.4 (MANE Select); coding-DNA position 496, C replaced by G.
Protein change: p.Leu166Val; replaces leucine 166 with valine.
Molecular consequence: missense variant.
Genome position (GRCh38, 1-based): chrX:14,604,316, C>G. VCF-style: chrX-14604316-C-G. GRCh37 (hg19) VCF-style: chrX-14622438-C-G.
Other names: c.496C>G, p.Leu166Val (NM_001118885.2, NM_001118886.2); c.229C>G, p.Leu77Val (NM_001171942.2); short protein forms L166V, L77V.
Identifiers: ClinVar variation 3766158 (VCV003766158.2).

ClinVar aggregate classification (germline): Uncertain significance. Review status: criteria provided, multiple submitters, no conflicts (2 of 4 stars). 2 submissions from 2 submitters: Uncertain significance (2). Last evaluated 2024-09-23.

Submissions (2):

Blueprint Genetics
Classification: Uncertain significance. Last evaluated: 2024-09-23. Review status: criteria provided, single submitter. Criteria: ACMG Guidelines, 2015. Collection method: clinical testing. Allele origin: germline.

GeneDx
Classification: Uncertain significance. Last evaluated: 2023-10-11. Review status: criteria provided, single submitter. Criteria: GeneDx Variant Classification Process June 2021. Collection method: clinical testing. Allele origin: germline. Affected: yes.
Comment: Has not been previously published as pathogenic or benign to our knowledge; In silico analysis suggests this variant may impact gene splicing. In the absence of RNA/functional studies, the actual effect of this sequence change is unknown; In silico analysis supports that this missense variant does not alter protein structure/function; Not observed at significant frequency in large population cohorts (gnomAD); Variants in candidate genes are classified as variants of uncertain significance in accordance with ACMG guidelines (Richards et al., 2015)